The following is an entry in ClinVar:

NM_152424.4(AMER1):c.1303G>A (p.Gly435Ser)

Gene: AMER1 (APC membrane recruitment protein 1; minus strand). Cytogenetic location: Xq11.2.
Variant type: single nucleotide variant.
Coding change: c.1303G>A on transcript NM_152424.4 (MANE Select); coding-DNA position 1303, G replaced by A.
Protein change: p.Gly435Ser; replaces glycine 435 with serine.
Molecular consequence: missense variant.
Genome position (GRCh38, 1-based): chrX:64,191,984, C>T on the plus strand (G>A on the coding strand, the complement: AMER1 is on the minus strand). VCF-style: chrX-64191984-C-T. GRCh37 (hg19) VCF-style: chrX-63411864-C-T.
Other names: short protein forms G435S.
Identifiers: ClinVar variation 4782122 (VCV004782122.1).

ClinVar aggregate classification (germline): Uncertain significance (1 of 4 stars; one submission).

Submission:

Labcorp Genetics (formerly Invitae), Labcorp
Classification: Uncertain significance. Last evaluated: 2025-11-18. Review status: criteria provided, single submitter. Criteria: Invitae Variant Classification Sherloc (09022015). Collection method: clinical testing. Allele origin: germline.
Comment: This sequence change replaces glycine, which is neutral and non-polar, with serine, which is neutral and polar, at codon 435 of the AMER1 protein (p.Gly435Ser). This variant is present in population databases (rs767572122, gnomAD 0.001%), including at least one homozygous and/or hemizygous individual. This variant has not been reported in the literature in individuals affected with AMER1-related conditions. An algorithm developed to predict the effect of missense changes on protein structure and function outputs the following: PolyPhen-2: "Benign". The serine amino acid residue is found in multiple mammalian species, which suggests that this missense change does not adversely affect protein function. In summary, the available evidence is currently insufficient to determine the role of this variant in disease. Therefore, it has been classified as a Variant of Uncertain Significance.